The following is an entry in ClinVar:

ClinVar aggregate classification (germline): Benign/Likely benign. Review status: criteria provided, multiple submitters, no conflicts (2 of 4 stars). 8 submissions from 8 submitters: Benign (2); Likely benign (5). 1 of the submissions does not count toward it. Last evaluated 2026-01-18.

Allele frequency attached by ClinVar (database versions not stated): gnomAD exomes 0.00073; ExAC 0.00082; 1000 Genomes Project 30x 0.00265; ESP Exome Variant Server 0.00277; gnomAD 0.00291 and 0.00311; 1000 Genomes Project 0.00300; TOPMed 0.00320.
gnomAD v4.1: 847 of 1,612,090 alleles (0.053%); highest among the groups gnomAD compares: African/African-American, 1%; 1 homozygote.

Submissions (8):

Labcorp Genetics (formerly Invitae), Labcorp
Classification: Likely benign. Last evaluated: 2026-01-18. Review status: criteria provided, single submitter. Criteria: Invitae Variant Classification Sherloc (09022015). Collection method: clinical testing. Allele origin: germline.

Mayo Clinic Laboratories, Mayo Clinic
Classification: Benign. Last evaluated: 2025-01-21. Review status: criteria provided, single submitter. Criteria: ACMG Guidelines, 2015. Collection method: clinical testing. Allele origin: germline. Observed: 1 variant allele.
Comment: BA1, BP4

Blueprint Genetics
Classification: Likely benign. Last evaluated: 2024-10-29. Review status: criteria provided, single submitter. Criteria: ACMG Guidelines, 2015. Collection method: clinical testing. Allele origin: germline.

CeGaT Center for Human Genetics Tuebingen
Classification: Likely benign. Last evaluated: 2024-04-01. Review status: criteria provided, single submitter. Criteria: CeGaT Center For Human Genetics Tuebingen Variant Classification Criteria Version 2. Collection method: clinical testing. Allele origin: germline. Affected: yes. Observed: 4 variant alleles.
Comment: VLDLR: BS1

GeneDx
Classification: Likely benign. Last evaluated: 2016-12-19. Review status: criteria provided, single submitter. Criteria: GeneDx Variant Classification (06012015). Collection method: clinical testing. Allele origin: germline. Affected: yes.
Comment: This variant is considered likely benign or benign based on one or more of the following criteria: it is a conservative change, it occurs at a poorly conserved position in the protein, it is predicted to be benign by multiple in silico algorithms, and/or has population frequency not consistent with disease.

Eurofins Ntd Llc (ga)
Classification: Benign. Last evaluated: 2015-03-13. Review status: criteria provided, single submitter. Criteria: EGL Classification Definitions 2015. Collection method: clinical testing. Allele origin: germline. Observed: 1 variant allele, 1 heterozygote.

Breakthrough Genomics
Classification: Likely benign. Review status: criteria provided, single submitter. Criteria: ACMG Guidelines, 2015. Collection method: not provided. Allele origin: germline. Inheritance: Autosomal recessive inheritance. Affected: yes.

Genetic Services Laboratory, University of Chicago
Classification: Likely benign for AllHighlyPenetrant. Review status: no assertion criteria provided. Collection method: clinical testing. Allele origin: germline. Inheritance: Autosomal recessive inheritance. Not counted in ClinVar's aggregate classification.
Comment: Likely benign based on allele frequency in 1000 Genomes Project or ESP global frequency and its presence in a patient with a rare or unrelated disease phenotype. NOT Sanger confirmed.

NM_003383.5(VLDLR):c.464G>C (p.Ser155Thr)

Gene: VLDLR (very low density lipoprotein receptor; plus strand). Cytogenetic location: 9p24.2.
Variant type: single nucleotide variant.
Coding change: c.464G>C on transcript NM_003383.5 (MANE Select); coding-DNA position 464, G replaced by C.
Protein change: p.Ser155Thr; replaces serine 155 with threonine.
Molecular consequence: missense variant.
Genome position (GRCh38, 1-based): chr9:2,643,175, G>C. VCF-style: chr9-2643175-G-C. GRCh37 (hg19) VCF-style: chr9-2643175-G-C.
Other names: p.Ser155Thr; c.464G>C, p.Ser155Thr (NM_001018056.3); c.341G>C, p.Ser114Thr (NM_001322225.2, NM_001322226.2); short protein forms S155T, S114T.
Identifiers: ClinVar variation 130700 (VCV000130700.46), dbSNP rs34080096, ClinGen allele CA155907.